The following is an entry in ClinVar:

NM_001256789.3(CACNA1F):c.995G>A (p.Trp332Ter)

Gene: CACNA1F (calcium voltage-gated channel subunit alpha1 F; minus strand). Cytogenetic location: Xp11.23.
Variant type: single nucleotide variant.
Coding change: c.995G>A on transcript NM_001256789.3 (MANE Select); coding-DNA position 995, G replaced by A.
Protein change: p.Trp332Ter; replaces tryptophan 332 with a stop codon.
Molecular consequence: nonsense.
Genome position (GRCh38, 1-based): chrX:49,228,270, C>T on the plus strand (G>A on the coding strand, the complement: CACNA1F is on the minus strand). VCF-style: chrX-49228270-C-T. GRCh37 (hg19) VCF-style: chrX-49084732-C-T.
Other names: c.800G>A, p.Trp267Ter (NM_001256790.3); c.995G>A, p.Trp332Ter (NM_005183.4); short protein forms W267*, W332*.
Identifiers: ClinVar variation 4950651 (VCV004950651.2).
Genomic context (GRCh38, chrX:49,228,270, plus strand): 5'-CAGGTGCAGCCTTTGAGCTCTGTGCCCACAGTCCACCTCACCCAGTAGAGCACATCGGTC[C>T]AGCCTTCCATGGTGACACACTGGAAGACTGTCAGCATGGCGAAGAAGAAGTTGTCAAAGT-3'

ClinVar aggregate classification (germline): Pathogenic. Review status: criteria provided, multiple submitters, no conflicts (2 of 4 stars). 2 submissions from 2 submitters: Pathogenic (2). Last evaluated 2025-12-01.

Conditions:
Retinal disorder. Also called: Retinopathy; Retinopathies; Retinal Diseases; Retinal disorders. Identifiers: MedGen C0035309, MONDO:0005283, HP:0000488.
CACNA1F-related disorder. Also called: CACNA1F-related condition.

Submissions (2):

North West Genomic Laboratory Hub, Manchester University NHS Foundation Trust
Classification: Pathogenic for Retinal disorders. Last evaluated: 2025-12-01. Review status: criteria provided, single submitter. Criteria: ACGS Best Practice Guidelines for Variant Classification in Rare Disease 2024. Collection method: clinical testing. Allele origin: germline. Affected: yes.
Comment: PVS1_VStr PM2_Mod

Blueprint Genetics
Classification: Pathogenic for CACNA1F-related disorders. Last evaluated: 2022-12-01. Review status: criteria provided, single submitter. Criteria: ACMG Guidelines, 2015. Collection method: clinical testing. Allele origin: germline. Affected: yes. Observed: 2 variant alleles.